The following is an entry in ClinVar:

ClinVar aggregate classification (germline): Uncertain significance (1 of 4 stars; one submission).

Conditions:
ZNF513-related disorder. Also called: ZNF513-related condition.

Allele frequency attached by ClinVar (database versions not stated): gnomAD exomes below 0.00001.
gnomAD v4.1: 1 of 1,613,516 alleles (0.000062%); highest among the groups gnomAD compares: Non-Finnish European, 0.000085%; no homozygotes.

Submission:

PreventionGenetics, part of Exact Sciences
Classification: Uncertain significance for ZNF513-related condition. Last evaluated: 2022-08-29. Review status: criteria provided, single submitter. Criteria: ACMG Guidelines, 2015. Collection method: clinical testing. Allele origin: germline.
Comment: The ZNF513 c.1021C>T variant is predicted to result in premature protein termination (p.Arg341*). To our knowledge, this variant has not been reported in the literature or in a large population database, indicating this variant is rare. At this time, the clinical significance of this variant is uncertain due to the absence of conclusive functional and genetic evidence.

NM_144631.6(ZNF513):c.1021C>T (p.Arg341Ter)

Gene: ZNF513 (zinc finger protein 513; minus strand). Cytogenetic location: 2p23.3.
Variant type: single nucleotide variant.
Coding change: c.1021C>T on transcript NM_144631.6 (MANE Select); coding-DNA position 1021, C replaced by T.
Protein change: p.Arg341Ter; replaces arginine 341 with a stop codon.
Molecular consequence: nonsense.
Genome position (GRCh38, 1-based): chr2:27,378,150, G>A on the plus strand (C>T on the coding strand, the complement: ZNF513 is on the minus strand). VCF-style: chr2-27378150-G-A. GRCh37 (hg19) VCF-style: chr2-27601017-G-A.
Other names: c.835C>T, p.Arg279Ter (NM_001201459.2); short protein forms R279*, R341*.
Identifiers: ClinVar variation 2636164 (VCV002636164.1), dbSNP rs778886320, ClinGen allele CA346216394.